The following is an entry in ClinVar:

ClinVar aggregate classification (germline): Uncertain significance. Review status: criteria provided, multiple submitters, no conflicts (2 of 4 stars). 6 submissions from 6 submitters: Uncertain significance (6). Last evaluated 2025-05-12.

Conditions:
Long QT syndrome (LQTS). Identifiers: MedGen C0023976, MeSH D008133, MONDO:0002442. Disease mechanism: loss of function. Inheritance: Various modes of inheritance.
Long QT syndrome 11 (LQT11). Identifiers: Orphanet 101016, Orphanet 768, MedGen C2678483, MONDO:0012738, OMIM 611820.
Cardiovascular phenotype. Identifiers: MedGen CN230736.

Allele frequency attached by ClinVar (database versions not stated): gnomAD exomes below 0.00001 and 0.00002; TOPMed below 0.00001; ExAC 0.00002.
gnomAD v4.1: 17 of 1,613,912 alleles (0.0011%); highest among the groups gnomAD compares: East Asian, 0.0022%; no homozygotes.

Submissions (6):

Labcorp Genetics (formerly Invitae), Labcorp
Classification: Uncertain significance for Long QT syndrome. Last evaluated: 2025-05-12. Review status: criteria provided, single submitter. Criteria: Invitae Variant Classification Sherloc (09022015). Collection method: clinical testing. Allele origin: germline.
Comment: This sequence change falls in intron 1 of the AKAP9 gene. It does not directly change the encoded amino acid sequence of the AKAP9 protein. It affects a nucleotide within the consensus splice site. This variant is present in population databases (rs377559019, gnomAD 0.006%). This variant has not been reported in the literature in individuals affected with AKAP9-related conditions. ClinVar contains an entry for this variant (Variation ID: 940058). Variants that disrupt the consensus splice site are a relatively common cause of aberrant splicing (PMID: 17576681, 9536098). Algorithms developed to predict the effect of sequence changes on RNA splicing suggest that this variant is not likely to affect RNA splicing. In summary, the available evidence is currently insufficient to determine the role of this variant in disease. Therefore, it has been classified as a Variant of Uncertain Significance.

Women's Health and Genetics/Laboratory Corporation of America, LabCorp
Classification: Uncertain significance. Last evaluated: 2023-02-05. Review status: criteria provided, single submitter. Criteria: LabCorp Variant Classification Summary - May 2015. Collection method: clinical testing. Allele origin: germline.

Baylor Genetics
Classification: Uncertain significance for Long QT syndrome 11. Last evaluated: 2022-10-10. Review status: criteria provided, single submitter. Criteria: ACMG Guidelines, 2015. Collection method: clinical testing. Allele origin: unknown.

Ambry Genetics
Classification: Uncertain significance for Cardiovascular phenotype. Last evaluated: 2022-05-02. Review status: criteria provided, single submitter. Criteria: Ambry Variant Classification Scheme 2023. Collection method: clinical testing. Allele origin: germline.
Comment: The c.48+5G>A intronic variant results from a G to A substitution 5 nucleotides after coding exon 1 in the AKAP9 gene. This nucleotide position is highly conserved in available vertebrate species. In silico splice site analysis predicts that this alteration will not have any significant effect on splicing. The evidence for this gene-disease relationship is limited; therefore, the clinical significance of this alteration is unclear.

Fulgent Genetics
Classification: Uncertain significance for Long QT syndrome 11. Last evaluated: 2021-12-03. Review status: criteria provided, single submitter. Criteria: ACMG Guidelines, 2015. Collection method: clinical testing. Allele origin: unknown.

Clinical Genomics Laboratory, Stanford Medicine
Classification: Uncertain significance for Long QT syndrome 11. Last evaluated: 2021-06-22. Review status: criteria provided, single submitter. Criteria: ACMG Guidelines, 2015. Collection method: clinical testing. Allele origin: germline. Affected: yes. Observed: 1 heterozygote.
Comment: The c.48+5G>A variant in the AKAP9gene has not been previously reported in association with disease.This variant has been identified in 1/18,380 East Asian chromosomes by the Genome Aggregation Database.The c.48+5G>A variant occurs in the 5’ splice site and computational tools predict an impact to splicing. However, the accuracy of these computational tools is limited.These data were assessed using the ACMG/AMP variant interpretation guidelines. In summary, the significance of the c.48+5G>A variant is uncertain. Additional information is needed to resolve the significance of this variant. [ACMG evidence codes used: PM2; PP3]

Literature cited by the submitters: PubMed 17576681 (cited by Labcorp Genetics (formerly Invitae), Labcorp); PubMed 9536098 (cited by Labcorp Genetics (formerly Invitae), Labcorp).

NM_005751.5(AKAP9):c.48+5G>A

Genes: AKAP9 (A-kinase anchoring protein 9; plus strand), LOC129998788 (ATAC-STARR-seq lymphoblastoid active region 26256; plus strand). Cytogenetic location: 7q21.2.
Variant type: single nucleotide variant.
Coding change: c.48+5G>A on transcript NM_005751.5 (MANE Select); 5 bases into the intron after coding-DNA position 48, G replaced by A.
Molecular consequence: intron variant.
Genome position (GRCh38, 1-based): chr7:91,941,152, G>A. VCF-style: chr7-91941152-G-A. GRCh37 (hg19) VCF-style: chr7-91570466-G-A.
Other names: c.48+5G>A (NM_147185.3).
Identifiers: ClinVar variation 940058 (VCV000940058.17), dbSNP rs377559019, ClinGen allele CA4335698.